The following is an entry in ClinVar:

ClinVar aggregate classification (germline): Pathogenic. Review status: criteria provided, multiple submitters, no conflicts (2 of 4 stars). 2 submissions from 2 submitters: Pathogenic (2). Last evaluated 2025-09-17.

Conditions:
Arrhythmogenic cardiomyopathy with wooly hair and keratoderma. Also called: Dilated cardiomyopathy with woolly hair and keratoderma; Arrhythmogenic cardiomyopathy with woolly hair and keratoderma; Carvajal syndrome; PALMOPLANTAR KERATODERMA WITH LEFT VENTRICULAR CARDIOMYOPATHY AND WOOLLY HAIR. Identifiers: Orphanet 65282, MedGen C1854063, MONDO:0011581, OMIM 605676.
Arrhythmogenic right ventricular dysplasia 8 (ARVD8). Also called: ARRHYTHMOGENIC RIGHT VENTRICULAR DYSPLASIA, FAMILIAL, 8; ARRHYTHMOGENIC RIGHT VENTRICULAR CARDIOMYOPATHY 8; Arrhythmogenic Right Ventricular Dysplasia/Cardiomyopathy 8. Identifiers: MedGen C1843896, MONDO:0011831, OMIM 607450.

Allele frequency attached by ClinVar (database versions not stated): gnomAD 0.00001.
gnomAD v4.1: 16 of 1,614,000 alleles (0.00099%); highest among the groups gnomAD compares: Non-Finnish European, 0.0014%; no homozygotes.

Submissions (2):

GeneDx
Classification: Pathogenic. Last evaluated: 2025-09-17. Review status: criteria provided, single submitter. Criteria: GeneDx Variant Classification Process June 2021. Collection method: clinical testing. Allele origin: germline. Affected: yes.
Comment: Nonsense variant predicted to result in protein truncation in a gene for which loss of function is a known mechanism of disease; Not observed at significant frequency in large population cohorts (gnomAD); This variant is associated with the following publications: (PMID: 35207675, 25227139, 35300203)

Labcorp Genetics (formerly Invitae), Labcorp
Classification: Pathogenic for Arrhythmogenic cardiomyopathy with wooly hair and keratoderma; Arrhythmogenic right ventricular dysplasia 8. Last evaluated: 2024-07-19. Review status: criteria provided, single submitter. Criteria: Invitae Variant Classification Sherloc (09022015). Collection method: clinical testing. Allele origin: germline.
Comment: This sequence change creates a premature translational stop signal (p.Arg2586*) in the DSP gene. While this is not anticipated to result in nonsense mediated decay, it is expected to disrupt the last 286 amino acid(s) of the DSP protein. This variant is present in population databases (no rsID available, gnomAD 0.007%). This premature translational stop signal has been observed in individual(s) with DSP-related conditions (PMID: 25227139). ClinVar contains an entry for this variant (Variation ID: 2581755). This variant disrupts a region of the DSP protein in which other variant(s) (p.Glu2728Glyfs*11) have been determined to be pathogenic (Invitae). This suggests that this is a clinically significant region of the protein, and that variants that disrupt it are likely to be disease-causing. For these reasons, this variant has been classified as Pathogenic.

Literature cited by the submitters: PubMed 25227139 (cited by Labcorp Genetics (formerly Invitae), Labcorp).

NM_004415.4(DSP):c.7756C>T (p.Arg2586Ter)

Gene: DSP (desmoplakin; plus strand). Cytogenetic location: 6p24.3.
Variant type: single nucleotide variant.
Coding change: c.7756C>T on transcript NM_004415.4 (MANE Select); coding-DNA position 7756, C replaced by T.
Protein change: p.Arg2586Ter; replaces arginine 2586 with a stop codon.
Molecular consequence: nonsense.
Genome position (GRCh38, 1-based): chr6:7,585,018, C>T. VCF-style: chr6-7585018-C-T. GRCh37 (hg19) VCF-style: chr6-7585251-C-T.
Other names: c.5959C>T, p.Arg1987Ter (NM_001008844.3); c.6427C>T, p.Arg2143Ter (NM_001319034.2); short protein forms R1987*, R2143*, R2586*.
Identifiers: ClinVar variation 2581755 (VCV002581755.5), dbSNP rs1420689736, ClinGen allele CA362693711.
Genomic context (GRCh38, chr6:7,585,018, plus strand): 5'-GGTGTCGGCACCAGCAGCAGCATGGGCAGTGGTGTCAGCGATGATGTTTTTAGCAGCTCC[C>T]GACATGAATCAGTAAGTAAGATTTCCACCATATCCAGCGTCAGGAATTTAACCATAAGGA-3'